The following is an entry in ClinVar:

ClinVar aggregate classification (germline): Uncertain significance (1 of 4 stars; one submission).

Allele frequency attached by ClinVar (database versions not stated): gnomAD exomes below 0.00001; gnomAD 0.00001; TOPMed 0.00001.
gnomAD v4.1: 2 of 1,614,134 alleles (0.00012%); highest among the groups gnomAD compares: Non-Finnish European, 0.00017%; no homozygotes.

Submission:

Labcorp Genetics (formerly Invitae), Labcorp
Classification: Uncertain significance. Last evaluated: 2020-06-24. Review status: criteria provided, single submitter. Criteria: Invitae Variant Classification Sherloc (09022015). Collection method: clinical testing. Allele origin: germline.
Comment: This variant has not been reported in the literature in individuals with ASRGL1-related conditions. In summary, the available evidence is currently insufficient to determine the role of this variant in disease. Therefore, it has been classified as a Variant of Uncertain Significance. Algorithms developed to predict the effect of missense changes on protein structure and function output the following: SIFT: "Tolerated"; PolyPhen-2: "Benign"; Align-GVGD: "Class C0". The asparagine amino acid residue is found in multiple mammalian species, suggesting that this missense change does not adversely affect protein function. These predictions have not been confirmed by published functional studies and their clinical significance is uncertain. This variant is not present in population databases (ExAC no frequency). This sequence change replaces serine with asparagine at codon 269 of the ASRGL1 protein (p.Ser269Asn). The serine residue is weakly conserved and there is a small physicochemical difference between serine and asparagine.

NM_001083926.2(ASRGL1):c.806G>A (p.Ser269Asn)

Gene: ASRGL1 (asparaginase and isoaspartyl peptidase 1; plus strand). Cytogenetic location: 11q12.3.
Variant type: single nucleotide variant.
Coding change: c.806G>A on transcript NM_001083926.2 (MANE Select); coding-DNA position 806, G replaced by A.
Protein change: p.Ser269Asn; replaces serine 269 with asparagine.
Molecular consequence: missense variant.
Genome position (GRCh38, 1-based): chr11:62,392,163, G>A. VCF-style: chr11-62392163-G-A. GRCh37 (hg19) VCF-style: chr11-62159635-G-A.
Other names: c.806G>A, p.Ser269Asn (NM_025080.4); short protein forms S269N.
Identifiers: ClinVar variation 1001581 (VCV001001581.8), dbSNP rs1947354795, ClinGen allele CA380871713.
Genomic context (GRCh38, chr11:62,392,163, plus strand): 5'-ACCTATCGTTGGGTTATATGAAGTCAAGGGTTAAAGGTTTAGGTGGCCTCATCGTGGTTA[G>A]CAAAACAGGAGACTGGGTGGCAAAGTGGACCTCCACCTCCATGCCCTGGGCAGCCGCCAA-3'
Protein context (NP_001077395.1, residues 259-279): VKGLGGLIVV[Ser269Asn]KTGDWVAKWT